The following is an entry in ClinVar:

ClinVar aggregate classification (germline): Uncertain significance (1 of 4 stars; one submission).

Conditions:
Hypertrophic cardiomyopathy. Also called: HYPERTROPHIC MYOCARDIOPATHY. Identifiers: Orphanet 217569, MedGen C0007194, MeSH D002312, MONDO:0005045, HP:0001639.

Allele frequency attached by ClinVar (database versions not stated): TOPMed below 0.00001; gnomAD exomes 0.00002.

Submission:

Labcorp Genetics (formerly Invitae), Labcorp
Classification: Uncertain significance for Hypertrophic cardiomyopathy. Last evaluated: 2021-04-09. Review status: criteria provided, single submitter. Criteria: Invitae Variant Classification Sherloc (09022015). Collection method: clinical testing. Allele origin: germline.
Comment: This sequence change creates a premature translational stop signal (p.Leu296Ilefs*17) in the MYOM1 gene. It is expected to result in an absent or disrupted protein product. However, the current clinical and genetic evidence is not sufficient to establish whether loss-of-function variants in MYOM1 cause disease. In summary, the available evidence is currently insufficient to determine the role of this variant in disease. Therefore, it has been classified as a Variant of Uncertain Significance. This variant has not been reported in the literature in individuals with MYOM1-related conditions. This variant is not present in population databases (ExAC no frequency).

NM_003803.4(MYOM1):c.881dup (p.Leu296fs)

Gene: MYOM1 (myomesin 1; minus strand). Cytogenetic location: 18p11.31.
Variant type: Duplication.
Coding change: c.881dup on transcript NM_003803.4 (MANE Select); coding-DNA position 881, one base duplicated (T; older notation c.881dupT).
Protein change: p.Leu296fs; shifts the reading frame from leucine 296.
Molecular consequence: frameshift variant.
Genome position (GRCh38, 1-based): chr18:3,187,528, A duplicated on the plus strand (T on the coding strand, the reverse complement: MYOM1 is on the minus strand). VCF-style (leftmost placement, unchanged base first): chr18-3187527-T-TA. GRCh37 (hg19) VCF-style: chr18-3187525-T-TA.
Other names: c.881dup, p.Leu296fs (NM_019856.2); short protein forms L296fs.
Identifiers: ClinVar variation 1502754 (VCV001502754.6), dbSNP rs2080834815, ClinGen allele CA2280911773.